The following is an entry in ClinVar:

NM_001365999.1(SZT2):c.2785G>A (p.Asp929Asn)

Gene: SZT2 (SZT2 subunit of KICSTOR complex; plus strand). Cytogenetic location: 1p34.2.
Variant type: single nucleotide variant.
Coding change: c.2785G>A on transcript NM_001365999.1 (MANE Select); coding-DNA position 2785, G replaced by A.
Protein change: p.Asp929Asn; replaces aspartic acid 929 with asparagine.
Molecular consequence: missense variant.
Genome position (GRCh38, 1-based): chr1:43,425,613, G>A. VCF-style: chr1-43425613-G-A. GRCh37 (hg19) VCF-style: chr1-43891284-G-A.
Other names: c.2785G>A, p.Asp929Asn (NM_015284.4); short protein forms D929N.
Identifiers: ClinVar variation 1506775 (VCV001506775.6), dbSNP rs541823517, ClinGen allele CA808795.

ClinVar aggregate classification (germline): Uncertain significance (1 of 4 stars; one submission).

Allele frequency attached by ClinVar (database versions not stated): gnomAD exomes below 0.00001 and 0.00001; ExAC 0.00001; gnomAD 0.00001; TOPMed 0.00001; 1000 Genomes Project 30x 0.00016; 1000 Genomes Project 0.00020.
gnomAD v4.1: 10 of 1,614,106 alleles (0.00062%); highest among the groups gnomAD compares: East Asian, 0.02%; no homozygotes.

Submission:

Labcorp Genetics (formerly Invitae), Labcorp
Classification: Uncertain significance. Last evaluated: 2024-10-29. Review status: criteria provided, single submitter. Criteria: Invitae Variant Classification Sherloc (09022015). Collection method: clinical testing. Allele origin: germline.
Comment: This sequence change replaces aspartic acid, which is acidic and polar, with asparagine, which is neutral and polar, at codon 929 of the SZT2 protein (p.Asp929Asn). This variant is present in population databases (rs541823517, gnomAD 0.02%). This variant has not been reported in the literature in individuals affected with SZT2-related conditions. ClinVar contains an entry for this variant (Variation ID: 1506775). Invitae Evidence Modeling of protein sequence and biophysical properties (such as structural, functional, and spatial information, amino acid conservation, physicochemical variation, residue mobility, and thermodynamic stability) indicates that this missense variant is not expected to disrupt SZT2 protein function with a negative predictive value of 80%. In summary, the available evidence is currently insufficient to determine the role of this variant in disease. Therefore, it has been classified as a Variant of Uncertain Significance.